The following is an entry in ClinVar:

NM_004006.3(DMD):c.2044A>G (p.Met682Val)

Gene: DMD (dystrophin; minus strand). Cytogenetic location: Xp21.1.
Variant type: single nucleotide variant.
Coding change: c.2044A>G on transcript NM_004006.3 (MANE Select); coding-DNA position 2044, A replaced by G.
Protein change: p.Met682Val; replaces methionine 682 with valine.
Molecular consequence: missense variant.
Genome position (GRCh38, 1-based): chrX:32,545,283, T>C on the plus strand (A>G on the coding strand, the complement: DMD is on the minus strand). VCF-style: chrX-32545283-T-C. GRCh37 (hg19) VCF-style: chrX-32563400-T-C.
Other names: c.2020A>G, p.Met674Val (NM_000109.4); c.2032A>G, p.Met678Val (NM_004009.3); c.1675A>G, p.Met559Val (NM_004010.3); short protein forms M559V, M674V, M682V, M678V.
Identifiers: ClinVar variation 3703486 (VCV003703486.2).
Genomic context (GRCh38, chrX:32,545,283, plus strand): 5'-CCTCTTGAGCATGCTTTACCAGGATCTGTTCCCTTGTGGTCACCGTAGTTACTGTTTCCA[T>C]TACAGTTGTCTGTGTTAGTGATGGCTGAGTGGTGGTGACAGCCTGTGAAATCTGTGAGAA-3'
Protein context (NP_003997.2, residues 672-692): TQPSLTQTTV[Met682Val]ETVTTVTTRE

ClinVar aggregate classification (germline): Uncertain significance (1 of 4 stars; one submission).

Conditions:
Duchenne muscular dystrophy (DMD). Also called: MUSCULAR DYSTROPHY, PSEUDOHYPERTROPHIC PROGRESSIVE, DUCHENNE TYPE; Duchenne Muscular Dystrophy (DMD). Identifiers: Orphanet 98896, MedGen C0013264, MONDO:0010679, OMIM 310200.

gnomAD v4.1: 2 of 1,210,780 alleles (0.00017%); highest among the groups gnomAD compares: East Asian, 0.0059%; no homozygotes.

Submission:

Labcorp Genetics (formerly Invitae), Labcorp
Classification: Uncertain significance for Duchenne muscular dystrophy. Last evaluated: 2024-06-20. Review status: criteria provided, single submitter. Criteria: Invitae Variant Classification Sherloc (09022015). Collection method: clinical testing. Allele origin: germline.
Comment: This sequence change replaces methionine, which is neutral and non-polar, with valine, which is neutral and non-polar, at codon 682 of the DMD protein (p.Met682Val). This variant is not present in population databases (gnomAD no frequency). This variant has not been reported in the literature in individuals affected with DMD-related conditions. Advanced modeling of protein sequence and biophysical properties (such as structural, functional, and spatial information, amino acid conservation, physicochemical variation, residue mobility, and thermodynamic stability) performed at Invitae indicates that this missense variant is not expected to disrupt DMD protein function with a negative predictive value of 95%. In summary, the available evidence is currently insufficient to determine the role of this variant in disease. Therefore, it has been classified as a Variant of Uncertain Significance.